The following is an entry in ClinVar:

ClinVar aggregate classification (germline): Pathogenic (1 of 4 stars; one submission).

Conditions:
Alport syndrome. Also called: Hemorrhagic familial nephritis; Hemorrhagic hereditary nephritis; Congenital hereditary hematuria. Identifiers: Orphanet 63, MedGen C1567741, MONDO:0018965.

Submission:

Myriad Genetics, Inc.
Classification: Pathogenic for Alport syndrome. Last evaluated: 2023-09-27. Review status: criteria provided, single submitter. Criteria: Myriad Autosomal Dominant, Autosomal Recessive and X-Linked Classification Criteria (2023). Collection method: clinical testing. Allele origin: unknown.
Comment: NM_000091.4(COL4A3):c.1251dupT(G418Wfs*23) is expected to be pathogenic in the context of Alport syndrome, COL4A3-related. This variant is predicted to lead to an abnormal or absent protein product due to the creation of a premature termination codon in COL4A3, a gene where loss-of-function variants are known to be pathogenic. Please note: this variant was assessed in the context of healthy population screening.

NM_000091.5(COL4A3):c.1251dup (p.Gly418fs)

Genes: COL4A3 (collagen type IV alpha 3 chain; plus strand), MFF-DT (MFF divergent transcript; minus strand). Cytogenetic location: 2q36.3.
Variant type: Duplication.
Coding change: c.1251dup on transcript NM_000091.5 (MANE Select); coding-DNA position 1251, one base duplicated (T; older notation c.1251dupT).
Protein change: p.Gly418fs; shifts the reading frame from glycine 418.
Molecular consequence: frameshift variant.
Genome position (GRCh38, 1-based): chr2:227,263,880, T duplicated. VCF-style (leftmost placement, unchanged base first): chr2-227263879-C-CT. GRCh37 (hg19) VCF-style: chr2-228128595-C-CT.
Other names: short protein forms G418fs.
Identifiers: ClinVar variation 5012002 (VCV005012002.1).
Genomic context (GRCh38, chr2:227,263,879, plus strand): 5'-CAGGCCTGAAAGGAAGTAAAGGGGAACGAGGCCGCCCAGGAAAGGATGCCATGGGGACTC[C>CT]TGGGTCCCCAGGTTGTGCTGGTTCACCAGGTCTTCCAGGATCACCGGGACCTCCAGGACC-3'